The following is an entry in ClinVar:

ClinVar aggregate classification (germline): Uncertain significance. Review status: criteria provided, multiple submitters, no conflicts (2 of 4 stars). 2 submissions from 2 submitters: Uncertain significance (2). Last evaluated 2022-04-05.

Conditions:
Familial focal epilepsy with variable foci (FPEVF). Identifiers: Orphanet 98820, MedGen C1858477, MONDO:0020310.

gnomAD v4.1: 2 of 1,611,012 alleles (0.00012%); highest among the groups gnomAD compares: Non-Finnish European, 0.00017%; no homozygotes.

Submissions (2):

Blueprint Genetics
Classification: Uncertain significance. Last evaluated: 2022-04-05. Review status: criteria provided, single submitter. Criteria: ACMG Guidelines, 2015. Collection method: clinical testing. Allele origin: germline.

Labcorp Genetics (formerly Invitae), Labcorp
Classification: Uncertain significance for Familial focal epilepsy with variable foci. Last evaluated: 2022-03-03. Review status: criteria provided, single submitter. Criteria: Invitae Variant Classification Sherloc (09022015). Collection method: clinical testing. Allele origin: germline.
Comment: In summary, the available evidence is currently insufficient to determine the role of this variant in disease. Therefore, it has been classified as a Variant of Uncertain Significance. Algorithms developed to predict the effect of missense changes on protein structure and function are either unavailable or do not agree on the potential impact of this missense change (SIFT: "Deleterious"; PolyPhen-2: "Not Available"; Align-GVGD: "Class C0"). This variant has not been reported in the literature in individuals affected with DEPDC5-related conditions. This variant is not present in population databases (gnomAD no frequency). This sequence change replaces glycine, which is neutral and non-polar, with arginine, which is basic and polar, at codon 1063 of the DEPDC5 protein (p.Gly1063Arg).

NM_001242896.3(DEPDC5):c.3187G>C (p.Gly1063Arg)

Gene: DEPDC5 (DEP domain containing 5, GATOR1 subcomplex subunit; plus strand). Cytogenetic location: 22q12.3.
Variant type: single nucleotide variant.
Coding change: c.3187G>C on transcript NM_001242896.3 (MANE Select); coding-DNA position 3187, G replaced by C.
Protein change: p.Gly1063Arg; replaces glycine 1063 with arginine.
Molecular consequence: missense variant. On other transcripts: non-coding transcript variant (5).
Genome position (GRCh38, 1-based): chr22:31,857,476, G>C. VCF-style: chr22-31857476-G-C. GRCh37 (hg19) VCF-style: chr22-32253462-G-C.
Other names: c.3160G>C, p.Gly1054Arg (NM_014662.6, NM_001136029.4, NM_001369903.1); c.2953G>C, p.Gly985Arg (NM_001242897.2, NM_001363854.2, NM_001364319.2); c.3187G>C, p.Gly1063Arg (NM_001363852.2, NM_001364318.2, NM_001364320.2); c.3103G>C, p.Gly1035Arg (NM_001369901.1, NM_001369902.1); short protein forms G985R, G1035R, G1054R, G1063R.
Identifiers: ClinVar variation 1393673 (VCV001393673.9), dbSNP rs2149117292, ClinGen allele CA411293749.
Genomic context (GRCh38, chr22:31,857,476, plus strand): 5'-CTGCTGTCATGTGCTTTTCCTCCTTTCAGGTGCCTGGGAGAACAGCAGGCAGCTGTGCAT[G>C]GTGGGAAGAGCTCCGCCCAGTCAGCCGAGAGCAGCAGCGTTGCCATGACTCCCACCTACA-3'
Protein context (NP_001229825.1, residues 1053-1073): CLGEQQAAVH[Gly1063Arg]GKSSAQSAES